The following is an entry in ClinVar:

ClinVar aggregate classification (germline): Uncertain significance. Review status: criteria provided, single submitter (1 of 4 stars). 2 submissions from 1 submitter: Uncertain significance (1). 1 of the submissions does not count toward it. Last evaluated 2019-04-01.

Conditions:
Carcinoma of colon (CRC). Also called: Colonic carcinoma; Colon carcinoma. Identifiers: MedGen C0699790, MONDO:0002032.
Familial adenomatous polyposis 2. Also called: COLORECTAL ADENOMATOUS POLYPOSIS, AUTOSOMAL RECESSIVE; MUTYH Polyposis; MUTYH-associated polyposis; MUTYH-related attenuated familial adenomatous polyposis; Adenomas, multiple colorectal; ADENOMAS, MULTIPLE COLORECTAL, AUTOSOMAL RECESSIVE. Identifiers: Orphanet 220460, Orphanet 247798, MedGen C3272841, MONDO:0012041, OMIM 608456.

Submissions (2):

Department of Pathology and Laboratory Medicine, Sinai Health System
Classification: Uncertain significance for Familial adenomatous polyposis 2. Last evaluated: 2019-04-01. Review status: criteria provided, single submitter. Criteria: ACMG Guidelines, 2015. Collection method: research. Allele origin: germline.

Department of Pathology and Laboratory Medicine, Sinai Health System
Classification: Uncertain significance for Carcinoma of colon. Review status: no assertion criteria provided. Collection method: clinical testing. Allele origin: unknown. Affected: yes. Observed: 1 variant allele. Study: The Canadian Open Genetics Repository (COGR). Not counted in ClinVar's aggregate classification.
Comment: The p.Cys297Phe variant has not been reported in the literature nor previously identified by our laboratory. The Cys residue is conserved across mammals and computational analyses (PolyPhen2, SIFT, AlignGVGD) suggest that the Phe variant may impact the protein. However, this information is not predictive enough to assume pathogenicity. The presence of this variant in combination with a reported pathogenic variant increases the likelihood that the p.Cys297Phe variant is pathogenic. In summary, based on the above information, the clinical significance of this variant cannot be determined with certainty at this time although we would lean towards a more pathogenic role for this variant. This variant is classified as a Predicted Pathogenic.

NM_001048174.2(MUTYH):c.806G>T (p.Cys269Phe)

Gene: MUTYH (mutY DNA glycosylase; minus strand). Cytogenetic location: 1p34.1.
Variant type: single nucleotide variant.
Coding change: c.806G>T on transcript NM_001048174.2 (MANE Select); coding-DNA position 806, G replaced by T.
Protein change: p.Cys269Phe; replaces cysteine 269 with phenylalanine.
Molecular consequence: missense variant. On other transcripts: non-coding transcript variant (2).
Genome position (GRCh38, 1-based): chr1:45,332,209, C>A on the plus strand (G>T on the coding strand, the complement: MUTYH is on the minus strand). VCF-style: chr1-45332209-C-A. GRCh37 (hg19) VCF-style: chr1-45797881-C-A.
Other names: c.806G>T, p.Cys269Phe (NM_001048171.2, NM_001048173.2, NM_001293195.2); c.809G>T, p.Cys270Phe (NM_001048172.2); c.890G>T, p.Cys297Phe (NM_001128425.2); c.851G>T, p.Cys284Phe (NM_001293190.2); c.839G>T, p.Cys280Phe (NM_001293191.2); c.530G>T, p.Cys177Phe (NM_001293192.2, NM_001293196.2); c.461G>T, p.Cys154Phe (NM_001350650.2, NM_001350651.2); c.881G>T, p.Cys294Phe (NM_012222.3); short protein forms C297F, C177F, C270F, C280F, C284F, C294F, C269F, C154F.
Identifiers: ClinVar variation 433935 (VCV000433935.3), dbSNP rs879254257, ClinGen allele CA340134438.
Genomic context (GRCh38, chr1:45,332,209, plus strand): 5'-TTCCCCAGTAGGCTTACTCTCTGGCGTGCCCGGCACAGGCTCTCCACAGGGCACTGGCTG[C>A]ACAGTGGGCGCTGTGGGGTACACACTGTGGCCCCTAGCTCCATGGCTGCTTGGTTGAAAT-3'
Protein context (NP_001041639.1, residues 259-279): ATVCTPQRPL[Cys269Phe]SQCPVESLCR